The following is an entry in ClinVar:

NM_001271.4(CHD2):c.3735-1G>A

Gene: CHD2 (chromodomain helicase DNA binding protein 2; plus strand). Cytogenetic location: 15q26.1.
Variant type: single nucleotide variant.
Coding change: c.3735-1G>A on transcript NM_001271.4 (MANE Select); the canonical splice acceptor site of the intron before coding-DNA position 3735, G replaced by A.
Molecular consequence: splice acceptor variant.
Genome position (GRCh38, 1-based): chr15:92,997,252, G>A. VCF-style: chr15-92997252-G-A. GRCh37 (hg19) VCF-style: chr15-93540482-G-A.
Identifiers: ClinVar variation 3382685 (VCV003382685.2).

ClinVar aggregate classification (germline): Likely pathogenic (1 of 4 stars; one submission).

Conditions:
Developmental and epileptic encephalopathy 94 (DEE94). Also called: CHD2-Related Neurodevelopmental Disorders; Epileptic encephalopathy, childhood-onset. Identifiers: Orphanet 1942, Orphanet 2382, MedGen C3809278, MONDO:0014150, OMIM 615369.

Submission:

Juno Genomics, Hangzhou Juno Genomics, Inc
Classification: Likely pathogenic for Developmental and epileptic encephalopathy 94. Review status: criteria provided, single submitter. Criteria: ACMG Guidelines, 2015. Collection method: clinical testing. Allele origin: germline. Affected: yes.
Comment: Absent from controls (or at extremely low frequency if recessive) in Genome Aggregation Database, Exome Sequencing Project, 1000 Genomes Project, or Exome Aggregation Consortium.;Null variant in a gene where loss of function (LOF) is a known mechanism of disease.